The following is an entry in ClinVar:

NM_000553.6(WRN):c.1468A>C (p.Thr490Pro)

Gene: WRN (WRN RecQ like helicase; plus strand). Cytogenetic location: 8p12.
Variant type: single nucleotide variant.
Coding change: c.1468A>C on transcript NM_000553.6 (MANE Select); coding-DNA position 1468, A replaced by C.
Protein change: p.Thr490Pro; replaces threonine 490 with proline.
Molecular consequence: missense variant.
Genome position (GRCh38, 1-based): chr8:31,087,812, A>C. VCF-style: chr8-31087812-A-C. GRCh37 (hg19) VCF-style: chr8-30945328-A-C.
Other names: short protein forms T490P.
Identifiers: ClinVar variation 1477572 (VCV001477572.8), dbSNP rs758101797, ClinGen allele CA370924331.

ClinVar aggregate classification (germline): Uncertain significance (1 of 4 stars; one submission).

Conditions:
Werner syndrome (WRN). Identifiers: Orphanet 902, MedGen C0043119, MONDO:0010196, OMIM 277700.

Submission:

Labcorp Genetics (formerly Invitae), Labcorp
Classification: Uncertain significance for Werner syndrome. Last evaluated: 2022-06-09. Review status: criteria provided, single submitter. Criteria: Invitae Variant Classification Sherloc (09022015). Collection method: clinical testing. Allele origin: germline.
Comment: This sequence change replaces threonine, which is neutral and polar, with proline, which is neutral and non-polar, at codon 490 of the WRN protein (p.Thr490Pro). In summary, the available evidence is currently insufficient to determine the role of this variant in disease. Therefore, it has been classified as a Variant of Uncertain Significance. Algorithms developed to predict the effect of missense changes on protein structure and function are either unavailable or do not agree on the potential impact of this missense change (SIFT: "Not Available"; PolyPhen-2: "Benign"; Align-GVGD: "Not Available"). This variant has not been reported in the literature in individuals affected with WRN-related conditions. This variant is not present in population databases (gnomAD no frequency).